The following is an entry in ClinVar:

ClinVar aggregate classification (germline): Uncertain significance (1 of 4 stars; one submission).

Conditions:
Dilated cardiomyopathy 1W (CMD1W). Identifiers: Orphanet 154, MedGen C1969639, MONDO:0012667, OMIM 611407.

Submission:

Labcorp Genetics (formerly Invitae), Labcorp
Classification: Uncertain significance for Dilated cardiomyopathy 1W. Last evaluated: 2021-02-09. Review status: criteria provided, single submitter. Criteria: Invitae Variant Classification Sherloc (09022015). Collection method: clinical testing. Allele origin: germline.
Comment: This variant has not been reported in the literature in individuals with VCL-related disease. This variant is not present in population databases (ExAC no frequency). This sequence change replaces glutamine with proline at codon 179 of the VCL protein (p.Gln179Pro). The glutamine residue is highly conserved and there is a moderate physicochemical difference between glutamine and proline. Algorithms developed to predict the effect of missense changes on protein structure and function do not agree on the potential impact of this missense change (SIFT: "Deleterious"; PolyPhen-2: "Possibly Damaging"; Align-GVGD: "Class C0"). In summary, the available evidence is currently insufficient to determine the role of this variant in disease. Therefore, it has been classified as a Variant of Uncertain Significance.

NM_014000.3(VCL):c.536A>C (p.Gln179Pro)

Gene: VCL (vinculin; plus strand). Cytogenetic location: 10q22.2.
Variant type: single nucleotide variant.
Coding change: c.536A>C on transcript NM_014000.3 (MANE Select); coding-DNA position 536, A replaced by C.
Protein change: p.Gln179Pro; replaces glutamine 179 with proline.
Molecular consequence: missense variant.
Genome position (GRCh38, 1-based): chr10:74,072,766, A>C. VCF-style: chr10-74072766-A-C. GRCh37 (hg19) VCF-style: chr10-75832524-A-C.
Other names: c.536A>C, p.Gln179Pro (NM_003373.4); short protein forms Q179P.
Identifiers: ClinVar variation 573263 (VCV000573263.7), dbSNP rs1564523578, ClinGen allele CA377267958.
Genomic context (GRCh38, chr10:74,072,766, plus strand): 5'-CACAATTTCTTCTTTGTGCCCCAGGAATGACTAAGATGGCCAAGATGATTGACGAGAGAC[A>C]GCAGGAGCTCACTCACCAGGAGCACCGAGTGATGTTGGTGAACTCGATGAACACCGTGAA-3'
Protein context (NP_054706.1, residues 169-189): TKMAKMIDER[Gln179Pro]QELTHQEHRV